The following is an entry in ClinVar:

ClinVar aggregate classification (germline): Uncertain significance (1 of 4 stars; one submission).

Conditions:
Brugada syndrome 8 (BRGDA8). Identifiers: Orphanet 130, MedGen C2751083, MONDO:0013148, OMIM 613123.

Submission:

Labcorp Genetics (formerly Invitae), Labcorp
Classification: Uncertain significance for Brugada syndrome 8. Last evaluated: 2022-05-09. Review status: criteria provided, single submitter. Criteria: Invitae Variant Classification Sherloc (09022015). Collection method: clinical testing. Allele origin: germline.
Comment: This sequence change replaces arginine, which is basic and polar, with serine, which is neutral and polar, at codon 45 of the HCN4 protein (p.Arg45Ser). This variant is not present in population databases (gnomAD no frequency). This variant has not been reported in the literature in individuals affected with HCN4-related conditions. Advanced modeling of protein sequence and biophysical properties (such as structural, functional, and spatial information, amino acid conservation, physicochemical variation, residue mobility, and thermodynamic stability) performed at Invitae indicates that this missense variant is not expected to disrupt HCN4 protein function. In summary, the available evidence is currently insufficient to determine the role of this variant in disease. Therefore, it has been classified as a Variant of Uncertain Significance.

NM_005477.3(HCN4):c.133C>A (p.Arg45Ser)

Gene: HCN4 (hyperpolarization activated cyclic nucleotide gated potassium channel 4; minus strand). Cytogenetic location: 15q24.1.
Variant type: single nucleotide variant.
Coding change: c.133C>A on transcript NM_005477.3 (MANE Select); coding-DNA position 133, C replaced by A.
Protein change: p.Arg45Ser; replaces arginine 45 with serine.
Molecular consequence: missense variant.
Genome position (GRCh38, 1-based): chr15:73,368,138, G>T on the plus strand (C>A on the coding strand, the complement: HCN4 is on the minus strand). VCF-style: chr15-73368138-G-T. GRCh37 (hg19) VCF-style: chr15-73660479-G-T.
Other names: short protein forms R45S.
Identifiers: ClinVar variation 2071821 (VCV002071821.4), dbSNP rs2043138489, ClinGen allele CA393098920.